The following is an entry in ClinVar:

ClinVar aggregate classification (germline): Benign/Likely benign. Review status: criteria provided, multiple submitters, no conflicts (2 of 4 stars). 4 submissions from 4 submitters: Benign (2); Likely benign (2). Last evaluated 2025-02-16.

Conditions:
Leigh syndrome (NULS). Also called: Leigh Syndrome (mtDNA deletion); Leigh's syndrome; LEIGH SYNDROME, NUCLEAR; Leigh Disease; Subacute necrotizing encephalopathy; Necrotizing encephalopathy infantile subacute of Leigh. Identifiers: Orphanet 506, MedGen C2931891, MONDO:0009723, OMIM 256000.

Submissions (4):

Laboratory of Genetics, Children's Clinical University Hospital Latvia
Classification: Likely benign. Last evaluated: 2025-02-16. Review status: criteria provided, single submitter. Criteria: ACMG Guidelines, 2015. Collection method: clinical testing. Allele origin: germline. Affected: yes.

Wong Mito Lab, Molecular and Human Genetics, Baylor College of Medicine
Classification: Benign for Leigh syndrome. Last evaluated: 2019-10-17. Review status: criteria provided, single submitter. Criteria: Modified ACMG Guidelines (Unpublished). Collection method: clinical testing. Allele origin: germline.
Comment: The NC_012920.1:m.6261G>A (YP_003024028.1:p.Ala120Thr) variant in MTCO1 gene is interpretated to be a Benign variant based on the modified ACMG guidelines (unpublished). This variant meets the following evidence codes: BA1

Athena Diagnostics
Classification: Benign. Last evaluated: 2019-04-16. Review status: criteria provided, single submitter. Criteria: Athena Diagnostics Criteria. Collection method: clinical testing. Allele origin: germline.

Center for Pediatric Genomic Medicine, Children's Mercy Hospital and Clinics
Classification: Likely benign. Last evaluated: 2015-06-15. Review status: criteria provided, single submitter. Criteria: ACMG Guidelines, 2015. Collection method: clinical testing. Allele origin: germline.
ClinVar note: Converted during submission from Likely Benign to Likely benign.

NC_012920.1(MT-CO1):m.6261G>A

Gene: MT-CO1 (mitochondrially encoded cytochrome c oxidase I; plus strand).
Variant type: single nucleotide variant.
Genome position: chrM-6261-G-A.
Identifiers: ClinVar variation 235718 (VCV000235718.6), dbSNP rs201262114, ClinGen allele CA10581412.
Genomic context (GRCh38, chrMT:6,261, plus strand): 5'-ATAAGCTTCTGACTCTTACCTCCCTCTCTCCTACTCCTGCTCGCATCTGCTATAGTGGAG[G>A]CCGGAGCAGGAACAGGTTGAACAGTCTACCCTCCCTTAGCAGGGAACTACTCCCACCCTG-3'